The following is an entry in ClinVar:

ClinVar aggregate classification (germline): Uncertain significance (0 of 4 stars; one submission).

Conditions:
BBS12-related disorder. Also called: BBS12-related condition.

Submission:

PreventionGenetics, part of Exact Sciences
Classification: Uncertain significance for BBS12-related condition. Last evaluated: 2024-05-10. Review status: no assertion criteria provided. Collection method: clinical testing. Allele origin: germline.
Comment: The BBS12 c.1564T>C variant is predicted to result in the amino acid substitution p.Cys522Arg. To our knowledge, this variant has not been reported in the literature or in a large population database, indicating this variant is rare. At this time, the clinical significance of this variant is uncertain due to the absence of conclusive functional and genetic evidence.

NM_152618.3(BBS12):c.1564T>C (p.Cys522Arg)

Gene: BBS12 (Bardet-Biedl syndrome 12; plus strand). Cytogenetic location: 4q27.
Variant type: single nucleotide variant.
Coding change: c.1564T>C on transcript NM_152618.3 (MANE Select); coding-DNA position 1564, T replaced by C.
Protein change: p.Cys522Arg; replaces cysteine 522 with arginine.
Molecular consequence: missense variant.
Genome position (GRCh38, 1-based): chr4:122,743,456, T>C. VCF-style: chr4-122743456-T-C. GRCh37 (hg19) VCF-style: chr4-123664611-T-C.
Other names: c.1564T>C, p.Cys522Arg (NM_001178007.2); short protein forms C522R.
Identifiers: ClinVar variation 3344055 (VCV003344055.1).
Genomic context (GRCh38, chr4:122,743,456, plus strand): 5'-GCCGTGCTCACTAACCCAGTTACTGCACAGATGCAAATCAAAGAAGATAGGTTCTGGACA[T>C]GTGCCTATCGTTTGTATTATGCTCTAAAAGAGGAAAAGGTCTTCCTTGGAGGTGGTGCAG-3'
Protein context (NP_689831.2, residues 512-532): MQIKEDRFWT[Cys522Arg]AYRLYYALKE